The following is an entry in ClinVar:

NM_000814.6(GABRB3):c.61G>A (p.Val21Met)

Gene: GABRB3 (gamma-aminobutyric acid type A receptor subunit beta3; minus strand). Cytogenetic location: 15q12.
Variant type: single nucleotide variant.
Coding change: c.61G>A on transcript NM_000814.6 (MANE Select); coding-DNA position 61, G replaced by A.
Protein change: p.Val21Met; replaces valine 21 with methionine.
Molecular consequence: missense variant. On other transcripts: 5 prime UTR variant (1), intron variant (1).
Genome position (GRCh38, 1-based): chr15:26,772,902, C>T on the plus strand (G>A on the coding strand, the complement: GABRB3 is on the minus strand). VCF-style: chr15-26772902-C-T. GRCh37 (hg19) VCF-style: chr15-27018049-C-T.
Other names: c.-291G>A (NM_001278631.2); c.81-130G>A (NM_021912.5); short protein forms V21M.
Identifiers: ClinVar variation 1752172 (VCV001752172.2), dbSNP rs2504095804, ClinGen allele CA391465592.

ClinVar aggregate classification (germline): Uncertain significance (1 of 4 stars; one submission).

Conditions:
Inborn genetic diseases. Identifiers: MedGen C0950123, MeSH D030342.

Submission:

Ambry Genetics
Classification: Uncertain significance for Inborn genetic diseases. Last evaluated: 2017-09-28. Review status: criteria provided, single submitter. Criteria: Ambry Variant Classification Scheme 2023. Collection method: clinical testing. Allele origin: germline.
Comment: The p.V21M variant (also known as c.61G>A), located in coding exon 1 of the GABRB3 gene, results from a G to A substitution at nucleotide position 61. The valine at codon 21 is replaced by methionine, an amino acid with highly similar properties. This amino acid position is not well conserved in available vertebrate species. In addition, this alteration is predicted to be tolerated by in silico analysis. Since supporting evidence is limited at this time, the clinical significance of this alteration remains unclear.